The following is an entry in ClinVar:

ClinVar aggregate classification (germline): Uncertain significance (1 of 4 stars; one submission).

Conditions:
COG7 congenital disorder of glycosylation (CDG2E). Also called: CONGENITAL DISORDER OF GLYCOSYLATION, TYPE IIe; CDG IIe. Identifiers: Orphanet 79333, MedGen C2931010, MONDO:0012118, OMIM 608779.

Allele frequency attached by ClinVar (database versions not stated): gnomAD exomes 0.00001 and 0.00002; TOPMed 0.00001; ExAC 0.00002; ESP Exome Variant Server 0.00008.
gnomAD v4.1: 13 of 1,613,898 alleles (0.00081%); highest among the groups gnomAD compares: South Asian, 0.0099%; no homozygotes.

Submission:

Baylor Genetics
Classification: Uncertain significance for COG7 congenital disorder of glycosylation. Last evaluated: 2019-01-15. Review status: criteria provided, single submitter. Criteria: ACMG Guidelines, 2015. Collection method: clinical testing. Allele origin: maternal. Affected: yes.
Comment: This variant was determined to be of uncertain significance according to ACMG Guidelines, 2015 [PMID:25741868].

NM_153603.4(COG7):c.1482G>T (p.Leu494Phe)

Gene: COG7 (component of oligomeric golgi complex 7; minus strand). Cytogenetic location: 16p12.2.
Variant type: single nucleotide variant.
Coding change: c.1482G>T on transcript NM_153603.4 (MANE Select); coding-DNA position 1482, G replaced by T.
Protein change: p.Leu494Phe; replaces leucine 494 with phenylalanine.
Molecular consequence: missense variant.
Genome position (GRCh38, 1-based): chr16:23,406,256, C>A on the plus strand (G>T on the coding strand, the complement: COG7 is on the minus strand). VCF-style: chr16-23406256-C-A. GRCh37 (hg19) VCF-style: chr16-23417577-C-A.
Other names: short protein forms L494F.
Identifiers: ClinVar variation 1030288 (VCV001030288.1), dbSNP rs376358218, ClinGen allele CA7960949.
Genomic context (GRCh38, chr16:23,406,256, plus strand): 5'-CTGAAAACCAGCCAGGCTCCGGGGGCTGCAGGAATCAGATAGATACTTCCCAGCTGTGGA[C>A]AAAATCCTGTAATGAAAGGAATGACCATTATGCCCTGAGCTATTTGCATGGAACTTTCTT-3'
Protein context (NP_705831.1, residues 484-504): DFEQQLANRI[Leu494Phe]STAGKYLSDS